The following is an entry in ClinVar:

ClinVar aggregate classification (germline): Benign (1 of 4 stars; one submission).

Conditions:
Autosomal recessive congenital ichthyosis 10 (ARCI10). Identifiers: Orphanet 79394, MedGen C3554355, MONDO:0014011, OMIM 615024.

Allele frequency attached by ClinVar (database versions not stated): gnomAD 0.00004 and 0.00062; TOPMed 0.00017; gnomAD exomes 0.00168; 1000 Genomes Project 30x 0.00500; 1000 Genomes Project 0.00599.
gnomAD v4.1: 129 of 175,064 alleles (0.074%); highest among the groups gnomAD compares: South Asian, 1.6%; 3 homozygotes.

Submission:

Illumina Laboratory Services, Illumina
Classification: Benign for Autosomal recessive congenital ichthyosis 10. Last evaluated: 2018-01-13. Review status: criteria provided, single submitter. Criteria: ICSL Variant Classification Criteria 13 December 2019. Collection method: clinical testing. Allele origin: germline.
Comment: This variant was observed in the ICSL laboratory as part of a predisposition screen in an ostensibly healthy population. It had not been previously curated by ICSL or reported in the Human Gene Mutation Database (HGMD: prior to June 1st, 2018), and was therefore a candidate for classification through an automated scoring system. Utilizing variant allele frequency, disease prevalence and penetrance estimates, and inheritance mode, an automated score was calculated to assess if this variant is too frequent to cause the disease. Based on the score and internal cut-off values, a variant classified as benign is not then subjected to further curation. The score for this variant resulted in a classification of benign for this disease.

NM_001374623.1(PNPLA1):c.1595+340A>G

Gene: PNPLA1 (patatin like domain 1, omega-hydroxyceramide transacylase; plus strand). Cytogenetic location: 6p21.31.
Variant type: single nucleotide variant.
Coding change: c.1595+340A>G on transcript NM_001374623.1 (MANE Select); 340 bases into the intron after coding-DNA position 1595, A replaced by G.
Molecular consequence: intron variant. On other transcripts: 3 prime UTR variant (3).
Genome position (GRCh38, 1-based): chr6:36,308,052, A>G. VCF-style: chr6-36308052-A-G. GRCh37 (hg19) VCF-style: chr6-36275829-A-G.
Other names: c.*336A>G (NM_001145717.1, NM_001145716.2, NM_173676.2).
Identifiers: ClinVar variation 356578 (VCV000356578.5), dbSNP rs375247045, ClinGen allele CA10626579.